The following is an entry in ClinVar:

NM_000349.3(STAR):c.551T>C (p.Phe184Ser)

Gene: STAR (steroidogenic acute regulatory protein; minus strand). Cytogenetic location: 8p11.23.
Variant type: single nucleotide variant.
Coding change: c.551T>C on transcript NM_000349.3 (MANE Select); coding-DNA position 551, T replaced by C.
Protein change: p.Phe184Ser; replaces phenylalanine 184 with serine.
Molecular consequence: missense variant.
Genome position (GRCh38, 1-based): chr8:38,146,062, A>G on the plus strand (T>C on the coding strand, the complement: STAR is on the minus strand). VCF-style: chr8-38146062-A-G. GRCh37 (hg19) VCF-style: chr8-38003580-A-G.
Other names: short protein forms F184S.
Identifiers: ClinVar variation 1471250 (VCV001471250.6), dbSNP rs2130613789, ClinGen allele CA370699340.

ClinVar aggregate classification (germline): Uncertain significance (1 of 4 stars; one submission).

Allele frequency attached by ClinVar (database versions not stated): gnomAD exomes below 0.00001.
gnomAD v4.1: 1 of 1,614,194 alleles (0.000062%); highest among the groups gnomAD compares: Non-Finnish European, 0.000085%; no homozygotes.

Submission:

Labcorp Genetics (formerly Invitae), Labcorp
Classification: Uncertain significance. Last evaluated: 2023-11-27. Review status: criteria provided, single submitter. Criteria: Invitae Variant Classification Sherloc (09022015). Collection method: clinical testing. Allele origin: germline.
Comment: This sequence change replaces phenylalanine, which is neutral and non-polar, with serine, which is neutral and polar, at codon 184 of the STAR protein (p.Phe184Ser). This variant is not present in population databases (gnomAD no frequency). This variant has not been reported in the literature in individuals affected with STAR-related conditions. ClinVar contains an entry for this variant (Variation ID: 1471250). Advanced modeling of protein sequence and biophysical properties (such as structural, functional, and spatial information, amino acid conservation, physicochemical variation, residue mobility, and thermodynamic stability) performed at Invitae indicates that this missense variant is expected to disrupt STAR protein function with a positive predictive value of 80%. In summary, the available evidence is currently insufficient to determine the role of this variant in disease. Therefore, it has been classified as a Variant of Uncertain Significance.